The following is an entry in ClinVar:

NM_014425.5(INVS):c.2232G>C (p.Gln744His)

Gene: INVS (inversin; plus strand). Cytogenetic location: 9q31.1.
Variant type: single nucleotide variant.
Coding change: c.2232G>C on transcript NM_014425.5 (MANE Select); coding-DNA position 2232, G replaced by C.
Protein change: p.Gln744His; replaces glutamine 744 with histidine.
Molecular consequence: missense variant. On other transcripts: non-coding transcript variant (1).
Genome position (GRCh38, 1-based): chr9:100,292,489, G>C. VCF-style: chr9-100292489-G-C. GRCh37 (hg19) VCF-style: chr9-103054771-G-C.
Other names: c.1944G>C, p.Gln648His (NM_001318381.2); c.1254G>C, p.Gln418His (NM_001318382.2); short protein forms Q744H, Q648H, Q418H.
Identifiers: ClinVar variation 650852 (VCV000650852.8), dbSNP rs748241492, ClinGen allele CA374242492.
Genomic context (GRCh38, chr9:100,292,489, plus strand): 5'-GTCCAGAGGTGAGACAGCTGGCGATGAGCGGTGTGCAAAGGGGAAAGGCTTCGTGAAGCA[G>C]CCCTCCTGTATCAGGGTGGCTGGGCCTGATGAGAAAGGAGAGGACTCCAGGCGGGCAGCT-3'
Protein context (NP_055240.2, residues 734-754): RCAKGKGFVK[Gln744His]PSCIRVAGPD

ClinVar aggregate classification (germline): Uncertain significance (1 of 4 stars; one submission).

Conditions:
Nephronophthisis. Also called: Juvenile Nephronophthisis. Identifiers: Orphanet 655, MedGen C0687120, MONDO:0019005, HP:0000090.

Allele frequency attached by ClinVar (database versions not stated): TOPMed below 0.00001.
gnomAD v4.1: 1 of 1,614,178 alleles (0.000062%); highest among the groups gnomAD compares: Non-Finnish European, 0.000085%; no homozygotes.

Submission:

Labcorp Genetics (formerly Invitae), Labcorp
Classification: Uncertain significance for Nephronophthisis. Last evaluated: 2022-07-26. Review status: criteria provided, single submitter. Criteria: Invitae Variant Classification Sherloc (09022015). Collection method: clinical testing. Allele origin: germline.
Comment: This sequence change replaces glutamine, which is neutral and polar, with histidine, which is basic and polar, at codon 744 of the INVS protein (p.Gln744His). This variant is not present in population databases (gnomAD no frequency). This variant has not been reported in the literature in individuals affected with INVS-related conditions. ClinVar contains an entry for this variant (Variation ID: 650852). Algorithms developed to predict the effect of missense changes on protein structure and function output the following: SIFT: "Tolerated"; PolyPhen-2: "Benign"; Align-GVGD: "Class C0". The histidine amino acid residue is found in multiple mammalian species, which suggests that this missense change does not adversely affect protein function. In summary, the available evidence is currently insufficient to determine the role of this variant in disease. Therefore, it has been classified as a Variant of Uncertain Significance.